The following is an entry in ClinVar:

NM_016203.4(PRKAG2):c.240C>A (p.Gly80=)

Gene: PRKAG2 (protein kinase AMP-activated non-catalytic subunit gamma 2; minus strand). Cytogenetic location: 7q36.1.
Variant type: single nucleotide variant.
Coding change: c.240C>A on transcript NM_016203.4 (MANE Select); coding-DNA position 240, C replaced by A.
Protein change: p.Gly80=; no amino-acid change (glycine 80 retained).
Molecular consequence: synonymous variant.
Genome position (GRCh38, 1-based): chr7:151,781,378, G>T on the plus strand (C>A on the coding strand, the complement: PRKAG2 is on the minus strand). VCF-style: chr7-151781378-G-T. GRCh37 (hg19) VCF-style: chr7-151478464-G-T.
Other names: c.108C>A, p.Gly36= (NM_001040633.2).
Identifiers: ClinVar variation 45710 (VCV000045710.57), dbSNP rs142482217, ClinGen allele CA014057.

ClinVar aggregate classification (germline): Conflicting classifications of pathogenicity. Review status: criteria provided, conflicting classifications (1 of 4 stars). 16 submissions from 15 submitters: Uncertain significance (2); Benign (5); Likely benign (5). 4 of the submissions do not count toward it. Last evaluated 2026-03-27.

Conditions:
PRKAG2-related disorder. Also called: PRKAG2-related condition; PRKAG2-related disorders.
Cardiovascular phenotype. Identifiers: MedGen CN230736.
Cardiomyopathy (CMYO). Also called: Cardiomyopathies. Identifiers: Orphanet 167848, MedGen C0878544, MONDO:0004994, HP:0001638. Inheritance: Various modes of inheritance.
Wolff-Parkinson-White pattern. Also called: Auriculoventricular accessory pathway syndrome; False bundle branch block syndrome; Anomalous ventricular excitation syndrome; WPW SYNDROME. Identifiers: MedGen C0043202, MONDO:0008685, OMIM 194200, HP:0001716.
Lethal congenital glycogen storage disease of heart. Also called: GLYCOGEN STORAGE DISEASE OF HEART; PHOSPHORYLASE KINASE DEFICIENCY OF HEART. Identifiers: Orphanet 439854, MedGen C1849813, MONDO:0009867, OMIM 261740.
Hypertrophic cardiomyopathy 6. Identifiers: MedGen C1833236, MONDO:0010946, OMIM 600858.
Hypertrophic cardiomyopathy. Also called: HYPERTROPHIC MYOCARDIOPATHY. Identifiers: Orphanet 217569, MedGen C0007194, MeSH D002312, MONDO:0005045, HP:0001639.

Allele frequency attached by ClinVar (database versions not stated): ESP Exome Variant Server 0.00008; gnomAD 0.00010; TOPMed 0.00010; 1000 Genomes Project 30x 0.00016; 1000 Genomes Project 0.00020; ExAC 0.00047.
gnomAD v4.1: 242 of 1,612,690 alleles (0.015%); highest among the groups gnomAD compares: Middle Eastern, 0.28%; 4 homozygotes.

Submissions (16):

Molecular Diagnostic Laboratory for Inherited Cardiovascular Disease, Montreal Heart Institute
Classification: Likely benign. Last evaluated: 2026-03-27. Review status: criteria provided, single submitter. Criteria: ACMG Guidelines, 2015. Collection method: clinical testing. Allele origin: germline. Affected: no.
Comment: BS1;BP7

Labcorp Genetics (formerly Invitae), Labcorp
Classification: Benign for Lethal congenital glycogen storage disease of heart. Last evaluated: 2026-01-19. Review status: criteria provided, single submitter. Criteria: Invitae Variant Classification Sherloc (09022015). Collection method: clinical testing. Allele origin: germline.

CeGaT Center for Human Genetics Tuebingen
Classification: Likely benign. Last evaluated: 2025-11-01. Review status: criteria provided, single submitter. Criteria: CeGaT Center For Human Genetics Tuebingen Variant Classification Criteria Version 2. Collection method: clinical testing. Allele origin: germline. Affected: yes. Observed: 4 variant alleles.
Comment: PRKAG2: BP4, BP7

Blueprint Genetics
Classification: Likely benign. Last evaluated: 2024-11-22. Review status: criteria provided, single submitter. Criteria: ACMG Guidelines, 2015. Collection method: clinical testing. Allele origin: germline.

All of Us Research Program, National Institutes of Health
Classification: Benign for Hypertrophic cardiomyopathy. Last evaluated: 2024-02-05. Review status: criteria provided, single submitter. Criteria: ACMG Guidelines, 2015. Collection method: clinical testing. Allele origin: germline. Inheritance: Autosomal dominant inheritance. Observed: 31 variant alleles, 31 heterozygotes.
Comment: This study involves interpretation of variants in research participants for the purpose of population health screening. Participant phenotype was not available at the time of variant classification. Additional details can be found in publication PMID: 35346344, PMCID: PMC8962531

Women's Health and Genetics/Laboratory Corporation of America, LabCorp
Classification: Benign. Last evaluated: 2019-05-06. Review status: criteria provided, single submitter. Criteria: LabCorp Variant Classification Summary - May 2015. Collection method: clinical testing. Allele origin: germline.
Comment: Variant summary: PRKAG2 c.240C>A alters a non-conserved nucleotide resulting in a synonymous change. 4/4 computational tools predict no significant impact on normal splicing. However, these predictions have yet to be confirmed by functional studies. The variant allele was found at a frequency of 0.00032 in 243194 control chromosomes, predominantly at a frequency of 0.0019 within the South Asian subpopulation in the gnomAD database, including 1 homozygote. The observed variant frequency within South Asian control individuals in the gnomAD database is approximately 76 fold of the estimated maximal expected allele frequency for a pathogenic variant in PRKAG2 causing Cardiomyopathy phenotype (2.5e-05), strongly suggesting that the variant is a benign polymorphism found primarily in populations of South Asian origin. To our knowledge, no occurrence of c.240C>A in individuals affected with Cardiomyopathy and no experimental evidence demonstrating its impact on protein function have been reported. Two clinical diagnostic laboratories have submitted clinical-significance assessments for this variant to ClinVar after 2014 without evidence for independent evaluation. One laboratory classified the variant as benign and one laboratory classified the variant as uncertain significance. Based on the evidence outlined above, the variant was classified as benign.

Ambry Genetics
Classification: Likely benign for Cardiovascular phenotype. Last evaluated: 2019-03-27. Review status: criteria provided, single submitter. Criteria: Ambry Variant Classification Scheme 2023. Collection method: clinical testing. Allele origin: germline.

Color Diagnostics, LLC DBA Color Health
Classification: Benign for Cardiomyopathy. Last evaluated: 2018-06-25. Review status: criteria provided, single submitter. Criteria: ACMG Guidelines, 2015. Collection method: clinical testing. Allele origin: germline.

CHEO Genetics Diagnostic Laboratory, Children's Hospital of Eastern Ontario
Classification: Benign for Cardiomyopathy. Last evaluated: 2018-02-28. Review status: criteria provided, single submitter. Criteria: ACMG Guidelines, 2015. Collection method: clinical testing. Allele origin: germline.

Illumina Laboratory Services, Illumina
Classification: Uncertain significance for Hypertrophic cardiomyopathy 6. Last evaluated: 2018-01-12. Review status: criteria provided, single submitter. Criteria: ICSL Variant Classification Criteria 13 December 2019. Collection method: clinical testing. Allele origin: germline.

Illumina Laboratory Services, Illumina
Classification: Uncertain significance for Wolff-Parkinson-White pattern. Last evaluated: 2018-01-12. Review status: criteria provided, single submitter. Criteria: ICSL Variant Classification Criteria 13 December 2019. Collection method: clinical testing. Allele origin: germline.

Laboratory for Molecular Medicine, Mass General Brigham Personalized Medicine
Classification: Likely benign. Last evaluated: 2012-06-11. Review status: criteria provided, single submitter. Criteria: LMM Criteria. Collection method: clinical testing. Allele origin: germline. Observed: 3 variant alleles.
Comment: Gly80Gly in exon 3 of PRKAG2: The variant is not expected to have clinical signi ficance because it does not alter an amino acid residue and is not located withi n the splice consensus sequence. It has been listed in dbSNP without frequency i nformation of sufficient quality. Gly80Gly in exon 3 of PRKAG2 (allele frequenc y = n/a)

PreventionGenetics, part of Exact Sciences
Classification: Likely benign for PRKAG2-related condition. Last evaluated: 2024-04-09. Review status: no assertion criteria provided. Collection method: clinical testing. Allele origin: germline. Not counted in ClinVar's aggregate classification.
Comment: This variant is classified as likely benign based on ACMG/AMP sequence variant interpretation guidelines (Richards et al. 2015 PMID: 25741868, with internal and published modifications).

Clinical Genetics DNA and cytogenetics Diagnostics Lab, Erasmus MC, Erasmus Medical Center
Classification: Likely benign. Review status: no assertion criteria provided. Collection method: clinical testing. Allele origin: germline. Affected: yes. Study: VKGL Data-share Consensus. Not counted in ClinVar's aggregate classification.

Clinical Genetics, Academic Medical Center
Classification: Benign. Review status: no assertion criteria provided. Collection method: clinical testing. Allele origin: germline. Affected: yes. Study: VKGL Data-share Consensus. Not counted in ClinVar's aggregate classification.

Joint Genome Diagnostic Labs from Nijmegen and Maastricht, Radboudumc and MUMC+
Classification: Benign. Review status: no assertion criteria provided. Collection method: clinical testing. Allele origin: germline. Affected: yes. Study: VKGL Data-share Consensus. Not counted in ClinVar's aggregate classification.